The following is an entry in ClinVar:

ClinVar aggregate classification (germline): Likely pathogenic (1 of 4 stars; one submission).

Conditions:
Dilated cardiomyopathy 1G (CMD1G). Identifiers: Orphanet 154, MedGen C1858763, MONDO:0011400, OMIM 604145.
Autosomal recessive limb-girdle muscular dystrophy type 2J (LGMDR10). Also called: MUSCULAR DYSTROPHY, LIMB-GIRDLE, AUTOSOMAL RECESSIVE 10; Limb-girdle muscular dystrophy, type 2J. Identifiers: Orphanet 140922, MedGen C1837342, MONDO:0012127, OMIM 608807.

Submission:

Labcorp Genetics (formerly Invitae), Labcorp
Classification: Likely pathogenic for Dilated cardiomyopathy 1G; Autosomal recessive limb-girdle muscular dystrophy type 2J. Last evaluated: 2024-10-18. Review status: criteria provided, single submitter. Criteria: Invitae Variant Classification Sherloc (09022015). Collection method: clinical testing. Allele origin: germline.
Comment: This sequence change creates a premature translational stop signal (p.Val14162Phefs*11) in the TTN gene. While this is not anticipated to result in nonsense mediated decay, it is expected to create a truncated TTN protein. This variant is not present in population databases (gnomAD no frequency). This variant has not been reported in the literature in individuals affected with TTN-related conditions. This variant is located in the I band of TTN (PMID: 25589632). Truncating variants in this region have been reported in individuals affected with autosomal recessive centronuclear myopathy (PMID: 23975875, internal data). Truncating variants in this region have also been identified in individuals affected with autosomal dominant dilated cardiomyopathy and/or cardio-related conditions (PMID: 27869827, 32964742, internal data). In summary, the currently available evidence indicates that the variant is pathogenic, but additional data are needed to prove that conclusively. Therefore, this variant has been classified as Likely Pathogenic.

Literature cited by the submitters: PubMed 25589632; PubMed 23975875; PubMed 27869827; PubMed 32964742.

NM_001267550.2(TTN):c.42484del (p.Val14162fs)

Gene: TTN (titin; minus strand). Cytogenetic location: 2q31.2.
Variant type: Deletion.
Coding change: c.42484del on transcript NM_001267550.2 (MANE Select); coding-DNA position 42484, one base deleted (G; older notation c.42484delG).
Protein change: p.Val14162fs; shifts the reading frame from valine 14162.
Molecular consequence: frameshift variant.
Genome position (GRCh38, 1-based): chr2:178,634,015, C deleted on the plus strand (G on the coding strand, the reverse complement: TTN is on the minus strand). VCF-style (leftmost placement, unchanged base first): chr2-178634014-AC-A. GRCh37 (hg19) VCF-style: chr2-179498741-AC-A.
Other names: c.37561del, p.Val12521fs (NM_001256850.1); c.15664del, p.Val5222fs (NM_133432.3); c.15865del, p.Val5289fs (NM_133437.4); c.15289del, p.Val5097fs (NM_003319.4); c.34780del, p.Val11594fs (NM_133378.4); short protein forms V12521fs, V14162fs, V5097fs, V5222fs, V11594fs, V5289fs.
Identifiers: ClinVar variation 2942802 (VCV002942802.3), dbSNP rs2471527913, ClinGen allele CA2740096355.